The following is an entry in ClinVar:

ClinVar aggregate classification (germline): Uncertain significance. Review status: criteria provided, multiple submitters, no conflicts (2 of 4 stars). 3 submissions from 3 submitters: Uncertain significance (3). Last evaluated 2025-01-08.

Conditions:
Inborn genetic diseases. Identifiers: MedGen C0950123, MeSH D030342.
Myofibrillar myopathy 3 (MFM3). Also called: Autosomal dominant spheroid body myopathy; Muscular dystrophy, proximal, type 1A. Identifiers: Orphanet 266, Orphanet 268129, MedGen C3714934, MONDO:0012215, OMIM 609200.

Allele frequency attached by ClinVar (database versions not stated): ExAC 0.00001; gnomAD exomes 0.00001 and 0.00004; gnomAD 0.00003; TOPMed 0.00003.

Submissions (3):

Ambry Genetics
Classification: Uncertain significance for Inborn genetic diseases. Last evaluated: 2025-01-08. Review status: criteria provided, single submitter. Criteria: Ambry Variant Classification Scheme 2023. Collection method: clinical testing. Allele origin: germline.

Labcorp Genetics (formerly Invitae), Labcorp
Classification: Uncertain significance for Myofibrillar myopathy 3. Last evaluated: 2024-09-17. Review status: criteria provided, single submitter. Criteria: Invitae Variant Classification Sherloc (09022015). Collection method: clinical testing. Allele origin: germline.
Comment: This sequence change replaces isoleucine, which is neutral and non-polar, with threonine, which is neutral and polar, at codon 253 of the MYOT protein (p.Ile253Thr). The frequency data for this variant in the population databases is considered unreliable, as metrics indicate poor data quality at this position in the gnomAD database. This variant has not been reported in the literature in individuals affected with MYOT-related conditions. ClinVar contains an entry for this variant (Variation ID: 432877). Invitae Evidence Modeling of protein sequence and biophysical properties (such as structural, functional, and spatial information, amino acid conservation, physicochemical variation, residue mobility, and thermodynamic stability) indicates that this missense variant is not expected to disrupt MYOT protein function with a negative predictive value of 80%. In summary, the available evidence is currently insufficient to determine the role of this variant in disease. Therefore, it has been classified as a Variant of Uncertain Significance.

GeneDx
Classification: Uncertain significance. Last evaluated: 2017-06-21. Review status: criteria provided, single submitter. Criteria: GeneDx Variant Classification (06012015). Collection method: clinical testing. Allele origin: germline. Affected: yes.
Comment: A variant of uncertain significance has been identified in the MYOT gene. The I253T variant has not been published as a pathogenic variant, nor has it been reported as a benign variant to our knowledge. The I253T variant is observed in 1/66736 (0.002%) alleles from individuals of European background, in teh ExAC dataset (Lek et al., 2016; 1000 Genomes Consortium et al., 2015; Exome Variant Server). The I253T variant is a non-conservative amino acid substitution, which is likely to impact secondary protein structure as these residues differ in polarity, charge, size and/or other properties. In silico analysis predicts this variant is probably damaging to the protein structure/function. However, this substitution occurs at a position that is not conserved. Therefore, based on the currently available information, it is unclear whether this variant is a pathogenic variant or a rare benign variant.

NM_006790.3(MYOT):c.758T>C (p.Ile253Thr)

Genes: MYOT (myotilin; plus strand), PKD2L2-DT (PKD2L2 divergent transcript; minus strand). Cytogenetic location: 5q31.2.
Variant type: single nucleotide variant.
Coding change: c.758T>C on transcript NM_006790.3 (MANE Select); coding-DNA position 758, T replaced by C.
Protein change: p.Ile253Thr; replaces isoleucine 253 with threonine.
Molecular consequence: missense variant.
Genome position (GRCh38, 1-based): chr5:137,882,047, T>C. VCF-style: chr5-137882047-T-C. GRCh37 (hg19) VCF-style: chr5-137217736-T-C.
Other names: c.413T>C, p.Ile138Thr (NM_001300911.2); c.206T>C, p.Ile69Thr (NM_001135940.2); short protein forms I253T, I138T, I69T.
Identifiers: ClinVar variation 432877 (VCV000432877.9), dbSNP rs201113539, ClinGen allele CA3423033.